The following is an entry in ClinVar:

NM_001927.4(DES):c.379C>G (p.Arg127Gly)

Gene: DES (desmin; plus strand). Cytogenetic location: 2q35.
Variant type: single nucleotide variant.
Coding change: c.379C>G on transcript NM_001927.4 (MANE Select); coding-DNA position 379, C replaced by G.
Protein change: p.Arg127Gly; replaces arginine 127 with glycine.
Molecular consequence: missense variant.
Genome position (GRCh38, 1-based): chr2:219,418,841, C>G. VCF-style: chr2-219418841-C-G. GRCh37 (hg19) VCF-style: chr2-220283563-C-G.
Other names: c.379C>G, p.Arg127Gly (NM_001382708.1, NM_001382709.1, NM_001382710.1 and 3 more transcripts); c.379C>G (NM_001927.3); short protein forms R127G.
Identifiers: ClinVar variation 1055317 (VCV001055317.11), dbSNP rs868157645, ClinGen allele CA350685715.
Genomic context (GRCh38, chr2:219,418,841, plus strand): 5'-AACGAGAAGGTGGAGCTGCAGGAGCTCAATGACCGCTTCGCCAACTACATCGAGAAGGTG[C>G]GCTTCCTGGAGCAGCAGAACGCGGCGCTCGCCGCCGAAGTGAACCGGCTCAAGGGCCGCG-3'
Protein context (NP_001918.3, residues 117-137): DRFANYIEKV[Arg127Gly]FLEQQNAALA

ClinVar aggregate classification (germline): Uncertain significance. Review status: criteria provided, multiple submitters, no conflicts (2 of 4 stars). 2 submissions from 2 submitters: Uncertain significance (2). Last evaluated 2024-02-28.

Conditions:
Desmin-related myofibrillar myopathy (MFM1). Also called: Desminopathy; Desmin related myopathy (former name); Desmin storage myopathy (former name); Myofibrillar myopathy 1; MYOFIBRILLAR MYOPATHY WITH ARRHYTHMOGENIC RIGHT VENTRICULAR CARDIOMYOPATHY; DESMIN-RELATED MYOPATHY WITH ARRHYTHMOGENIC RIGHT VENTRICULAR CARDIOMYOPATHY. Identifiers: Orphanet 363543, Orphanet 98909, MedGen C1832370, MONDO:0011076, OMIM 601419.

Submissions (2):

GeneDx
Classification: Uncertain significance. Last evaluated: 2024-02-28. Review status: criteria provided, single submitter. Criteria: GeneDx Variant Classification Process June 2021. Collection method: clinical testing. Allele origin: germline. Affected: yes.
Comment: Has not been previously published in an individual with a DES-related disorder to our knowledge; Not observed at significant frequency in large population cohorts (gnomAD); Published functional studies suggest a damaging effect (PMID: 36497166); This variant is associated with the following publications: (PMID: 26807690, 36497166)

Labcorp Genetics (formerly Invitae), Labcorp
Classification: Uncertain significance for Desmin-related myofibrillar myopathy. Last evaluated: 2020-02-02. Review status: criteria provided, single submitter. Criteria: Invitae Variant Classification Sherloc (09022015). Collection method: clinical testing. Allele origin: germline.
Comment: This sequence change replaces arginine with glycine at codon 127 of the DES protein (p.Arg127Gly). The arginine residue is highly conserved and there is a moderate physicochemical difference between arginine and glycine. This variant is not present in population databases (ExAC no frequency). This variant has not been reported in the literature in individuals with DES-related conditions. Algorithms developed to predict the effect of missense changes on protein structure and function are either unavailable or do not agree on the potential impact of this missense change (SIFT: "Deleterious"; PolyPhen-2: "Probably Damaging"; Align-GVGD: "Class C0"). In summary, the available evidence is currently insufficient to determine the role of this variant in disease. Therefore, it has been classified as a Variant of Uncertain Significance.